The following is an entry in ClinVar:

NM_001038603.3(MARVELD2):c.43G>A (p.Asp15Asn)

Gene: MARVELD2 (MARVEL domain containing 2; plus strand). Cytogenetic location: 5q13.2.
Variant type: single nucleotide variant.
Coding change: c.43G>A on transcript NM_001038603.3 (MANE Select); coding-DNA position 43, G replaced by A.
Protein change: p.Asp15Asn; replaces aspartic acid 15 with asparagine.
Molecular consequence: missense variant.
Genome position (GRCh38, 1-based): chr5:69,419,428, G>A. VCF-style: chr5-69419428-G-A. GRCh37 (hg19) VCF-style: chr5-68715255-G-A.
Other names: c.43G>A, p.Asp15Asn (NM_001244734.2); short protein forms D15N.
Identifiers: ClinVar variation 2428988 (VCV002428988.4), dbSNP rs748364395, ClinGen allele CA3293953.
Genomic context (GRCh38, chr5:69,419,428, plus strand): 5'-CAGGTGTGAAAATCACAAATGTCAAATGATGGAAGATCCAGGAATCGGGACAGGCGCTAC[G>A]ATGAGGTCCCAAGCGACCTGCCCTATCAAGATACCACCATAAGAACCCACCCAACTCTTC-3'
Protein context (NP_001033692.2, residues 5-25): GRSRNRDRRY[Asp15Asn]EVPSDLPYQD

ClinVar aggregate classification (germline): Uncertain significance. Review status: criteria provided, multiple submitters, no conflicts (2 of 4 stars). 2 submissions from 2 submitters: Uncertain significance (2). Last evaluated 2024-07-16.

Conditions:
Inborn genetic diseases. Identifiers: MedGen C0950123, MeSH D030342.

Allele frequency attached by ClinVar (database versions not stated): ExAC 0.00001; gnomAD exomes 0.00002; gnomAD 0.00004; TOPMed 0.00005.
gnomAD v4.1: 38 of 1,614,158 alleles (0.0024%); highest among the groups gnomAD compares: African/African-American, 0.012%; no homozygotes.

Submissions (2):

Ambry Genetics
Classification: Uncertain significance for Inborn genetic diseases. Last evaluated: 2024-07-16. Review status: criteria provided, single submitter. Criteria: Ambry Variant Classification Scheme 2023. Collection method: clinical testing. Allele origin: germline.

GeneDx
Classification: Uncertain significance. Last evaluated: 2022-08-01. Review status: criteria provided, single submitter. Criteria: GeneDx Variant Classification Process June 2021. Collection method: clinical testing. Allele origin: germline. Affected: yes.
Comment: In silico analysis supports that this missense variant has a deleterious effect on protein structure/function; Has not been previously published as pathogenic or benign to our knowledge